The following is an entry in ClinVar:

ClinVar aggregate classification (germline): Uncertain significance (1 of 4 stars; one submission).

Conditions:
Long QT syndrome (LQTS). Identifiers: MedGen C0023976, MeSH D008133, MONDO:0002442. Disease mechanism: loss of function. Inheritance: Various modes of inheritance.

Allele frequency attached by ClinVar (database versions not stated): gnomAD exomes below 0.00001; TOPMed below 0.00001.
gnomAD v4.1: 1 of 1,614,068 alleles (0.000062%); highest among the groups gnomAD compares: Admixed American, 0.0017%; no homozygotes.

Submission:

Labcorp Genetics (formerly Invitae), Labcorp
Classification: Uncertain significance for Long QT syndrome. Last evaluated: 2020-11-11. Review status: criteria provided, single submitter. Criteria: Invitae Variant Classification Sherloc (09022015). Collection method: clinical testing. Allele origin: germline.
Comment: Algorithms developed to predict the effect of missense changes on protein structure and function (SIFT, PolyPhen-2, Align-GVGD) all suggest that this variant is likely to be tolerated, but these predictions have not been confirmed by published functional studies and their clinical significance is uncertain. In summary, the available evidence is currently insufficient to determine the role of this variant in disease. Therefore, it has been classified as a Variant of Uncertain Significance. This variant has not been reported in the literature in individuals with ANK2-related conditions. This variant is not present in population databases (ExAC no frequency). This sequence change replaces tyrosine with asparagine at codon 1614 of the ANK2 protein (p.Tyr1614Asn). The tyrosine residue is weakly conserved and there is a large physicochemical difference between tyrosine and asparagine.

NM_001148.6(ANK2):c.4840T>A (p.Tyr1614Asn)

Gene: ANK2 (ankyrin 2; plus strand). Cytogenetic location: 4q26.
Variant type: single nucleotide variant.
Coding change: c.4840T>A on transcript NM_001148.6 (MANE Select); coding-DNA position 4840, T replaced by A.
Protein change: p.Tyr1614Asn; replaces tyrosine 1614 with asparagine.
Molecular consequence: missense variant. On other transcripts: intron variant (68).
Genome position (GRCh38, 1-based): chr4:113,353,458, T>A. VCF-style: chr4-113353458-T-A. GRCh37 (hg19) VCF-style: chr4-114274614-T-A.
Other names: c.4606T>A, p.Tyr1536Asn (NM_001386142.1); c.1240T>A, p.Tyr414Asn (NM_001386166.1); c.4981T>A, p.Tyr1661Asn (NM_001386174.1); c.4957T>A, p.Tyr1653Asn (NM_001386175.1); c.4411+3209T>A (NM_001386186.2, NM_001386148.2); c.4213+3209T>A (NM_001354269.3); c.4291+3209T>A (NM_001386187.2); c.4252+3209T>A (NM_001386147.1); and 35 more; short protein forms Y414N, Y1536N, Y1614N, Y1653N, Y1661N.
Identifiers: ClinVar variation 1364048 (VCV001364048.8), dbSNP rs1380399876, ClinGen allele CA357916892.
Genomic context (GRCh38, chr4:113,353,458, plus strand): 5'-ATTGTCAGTGATGAGGAAATAGAAGAGGCTAGGCAAAAAGCACCTTTAGAAATCACTGAA[T>A]ATCCATGTGTAGAAGTTAGAATAGATAAAGAGATCAAAGGAAAAGTAGAGAAAGACTCAA-3'
Protein context (NP_001139.3, residues 1604-1624): RQKAPLEITE[Tyr1614Asn]PCVEVRIDKE